The following is an entry in ClinVar:

ClinVar aggregate classification (germline): Uncertain significance. Review status: criteria provided, multiple submitters, no conflicts (2 of 4 stars). 2 submissions from 2 submitters: Uncertain significance (2). Last evaluated 2024-04-04.

Conditions:
Inborn genetic diseases. Identifiers: MedGen C0950123, MeSH D030342.
3-methylglutaconic aciduria with deafness, encephalopathy, and Leigh-like syndrome (MEGDEL). Also called: 3-METHYLGLUTACONIC ACIDURIA, TYPE VI; SERAC1 Deficiency; MEGDEL syndrome. Identifiers: Orphanet 352328, MedGen C4040739, MONDO:0013875, OMIM 614739.

Allele frequency attached by ClinVar (database versions not stated): gnomAD 0.00001; gnomAD exomes 0.00001; TOPMed 0.00001; ExAC 0.00004.
gnomAD v4.1: 10 of 1,613,406 alleles (0.00062%); highest among the groups gnomAD compares: East Asian, 0.022%; no homozygotes.

Submissions (2):

Labcorp Genetics (formerly Invitae), Labcorp
Classification: Uncertain significance for 3-methylglutaconic aciduria with deafness, encephalopathy, and Leigh-like syndrome. Last evaluated: 2024-04-04. Review status: criteria provided, single submitter. Criteria: Invitae Variant Classification Sherloc (09022015). Collection method: clinical testing. Allele origin: germline.
Comment: This sequence change replaces tyrosine, which is neutral and polar, with cysteine, which is neutral and slightly polar, at codon 229 of the SERAC1 protein (p.Tyr229Cys). This variant is present in population databases (rs747230275, gnomAD 0.05%). This variant has not been reported in the literature in individuals affected with SERAC1-related conditions. Advanced modeling of protein sequence and biophysical properties (such as structural, functional, and spatial information, amino acid conservation, physicochemical variation, residue mobility, and thermodynamic stability) performed at Invitae indicates that this missense variant is expected to disrupt SERAC1 protein function with a positive predictive value of 80%. In summary, the available evidence is currently insufficient to determine the role of this variant in disease. Therefore, it has been classified as a Variant of Uncertain Significance.

Ambry Genetics
Classification: Uncertain significance for Inborn genetic diseases. Last evaluated: 2023-12-15. Review status: criteria provided, single submitter. Criteria: Ambry Variant Classification Scheme 2023. Collection method: clinical testing. Allele origin: germline.

NM_032861.4(SERAC1):c.686A>G (p.Tyr229Cys)

Gene: SERAC1 (serine active site containing 1; minus strand). Cytogenetic location: 6q25.3.
Variant type: single nucleotide variant.
Coding change: c.686A>G on transcript NM_032861.4 (MANE Select); coding-DNA position 686, A replaced by G.
Protein change: p.Tyr229Cys; replaces tyrosine 229 with cysteine.
Molecular consequence: missense variant. On other transcripts: non-coding transcript variant (1).
Genome position (GRCh38, 1-based): chr6:158,143,108, T>C on the plus strand (A>G on the coding strand, the complement: SERAC1 is on the minus strand). VCF-style: chr6-158143108-T-C. GRCh37 (hg19) VCF-style: chr6-158564140-T-C.
Other names: short protein forms Y229C.
Identifiers: ClinVar variation 3160215 (VCV003160215.3), dbSNP rs747230275, ClinGen allele CA4071287.
Genomic context (GRCh38, chr6:158,143,108, plus strand): 5'-GAACTAACCTTCTGAGCAGCTAGACTCTGACTGCTTTCACTAAGAGCCAAAGATGTAAAA[T>C]ACTGGATACACTCATCTAGCTCTGTTTGAGGTAAGGAAGCCAGCAACTGTCTGAGCTCTT-3'
Protein context (NP_116250.3, residues 219-239): PQTELDECIQ[Tyr229Cys]FTSLALSESS